The following is an entry in ClinVar:

NM_000059.4(BRCA2):c.10222A>T (p.Lys3408Ter)

Gene: BRCA2 (BRCA2 DNA repair associated; plus strand). Cytogenetic location: 13q13.1.
Variant type: single nucleotide variant.
Coding change: c.10222A>T on transcript NM_000059.4 (MANE Select); coding-DNA position 10222, A replaced by T.
Protein change: p.Lys3408Ter; replaces lysine 3408 with a stop codon.
Molecular consequence: nonsense.
Genome position (GRCh38, 1-based): chr13:32,398,735, A>T. VCF-style: chr13-32398735-A-T. GRCh37 (hg19) VCF-style: chr13-32972872-A-T.
Other names: p.K3408*:AAG>TAG; short protein forms K3408*.
Identifiers: ClinVar variation 51056 (VCV000051056.36), dbSNP rs80358402, ClinGen allele CA010501.
Genomic context (GRCh38, chr13:32,398,735, plus strand): 5'-ACATCTCTGATCAAAGAACAGGAGAGTTCCCAGGCCAGTACGGAAGAATGTGAGAAAAAT[A>T]AGCAGGACACAATTACAACTAAAAAATATATCTAAGCATTTGCAAAGGCGACAATAAATT-3'

ClinVar aggregate classification (germline): Conflicting classifications of pathogenicity. Review status: criteria provided, conflicting classifications (1 of 4 stars). 11 submissions from 11 submitters: Uncertain significance (1); Benign (1); Likely benign (6). 3 of the submissions do not count toward it. Last evaluated 2025-11-23.

Conditions:
Hereditary cancer-predisposing syndrome. Also called: Tumor predisposition; Neoplastic Syndromes, Hereditary; Hereditary neoplastic syndrome; Hereditary Cancer Syndrome. Identifiers: Orphanet 140162, MedGen C0027672, MeSH D009386, MONDO:0015356.
Hereditary breast ovarian cancer syndrome. Also called: Hereditary breast and ovarian cancer; BRCA1- and BRCA2-Associated Hereditary Breast and Ovarian Cancer; Hereditary breast and/or ovarian cancer syndrome; Hereditary breast and ovarian cancer syndrome; Breast and ovarian cancer; Hereditary breast and ovarian cancer syndrome (HBOC). Identifiers: Orphanet 145, MedGen C0677776, MeSH D061325, MONDO:0003582. Disease mechanism: loss of function.
Breast-ovarian cancer, familial, susceptibility to, 2 (BROVCA2). Also called: BRCA2 Hereditary Breast and Ovarian Cancer. Identifiers: Orphanet 145, MedGen C2675520, MONDO:0012933, OMIM 612555. Disease mechanism: loss of function.

Allele frequency attached by ClinVar (database versions not stated): gnomAD 0.00004 and 0.00001; TOPMed 0.00005; gnomAD exomes below 0.00001 and 0.00002; ExAC 0.00001.
gnomAD v4.1: 28 of 1,613,940 alleles (0.0017%); highest among the groups gnomAD compares: Non-Finnish European, 0.002%; no homozygotes.

Submissions (11):

Labcorp Genetics (formerly Invitae), Labcorp
Classification: Benign for Hereditary breast ovarian cancer syndrome. Last evaluated: 2025-11-23. Review status: criteria provided, single submitter. Criteria: Invitae Variant Classification Sherloc (09022015). Collection method: clinical testing. Allele origin: germline.

Women's Health and Genetics/Laboratory Corporation of America, LabCorp
Classification: Likely benign. Last evaluated: 2025-01-30. Review status: criteria provided, single submitter. Criteria: LabCorp Variant Classification Summary - May 2015. Collection method: clinical testing. Allele origin: germline.
Comment: Variant summary: BRCA2 c.10222A>T (p.Lys3408X) results in a premature termination codon, predicted to cause a truncation of the encoded protein but not expected to undergo nonsense mediated decay. The variant allele was found at a frequency of 1.7e-05 in 1613940 control chromosomes (gnomAD). This frequency is not significantly higher than estimated for a pathogenic variant in BRCA2 causing Hereditary Breast and Ovarian Cancer Syndrome (1.7e-05 vs 0.00075), allowing no conclusion about variant significance. c.10222A>T has been reported in the literature in individuals affected with Hereditary Breast and Ovarian Cancer Syndrome without strong evidence for or against pathogenicity (example: Pirim_2020, Darst_2021, Bisgin_2022). These report(s) do not provide unequivocal conclusions about association of the variant with Hereditary Breast and Ovarian Cancer Syndrome. To our knowledge, no experimental evidence demonstrating an impact on protein function has been reported. The following publications have been ascertained in the context of this evaluation (PMID: 32599251, 32853339, 35753294). ClinVar contains an entry for this variant (Variation ID: 51056). Based on the evidence outlined above, the variant was classified as likely benign.

Molecular Diagnostics Laboratory, Catalan Institute of Oncology
Classification: Uncertain significance for Hereditary cancer-predisposing syndrome. Last evaluated: 2025-01-22. Review status: criteria provided, single submitter. Criteria: ClinGen BRCA1BRCA2 ACMG Specifications BRCA2 V1.0.0. Collection method: clinical testing. Allele origin: germline.
Comment: PVS1_NA, PM5_NA c.10222A>T, located in exon 27 of the BRCA2 gene, is a nonsense variant expected to result in premature protein truncation, p.(Lys3408*). This alteration, however, is located downstream position p.Glu3309 (PVS1_NA, PM5_NA). The variant was found in 2/267916 alleles, at a frequency of 0.0007% in the gnomAD v2.1.1 database, non-cancer dataset. No effect is predicted on splicing by SpliceAI. To our knowledge, neither relevant clinical data nor well-stablished functional studies have been reported for this variant. This variant has been reported in ClinVar database (2x benign, 6x likely benign, 1x uncertain significance) and in BRCA Exchange database as not yet reviewed, but it has not been reported in LOVD. Based on currently available information, the variant c.10222A>T should be considered an uncertain significance variant.

Quest Diagnostics Nichols Institute San Juan Capistrano
Classification: Likely benign. Last evaluated: 2023-01-17. Review status: criteria provided, single submitter. Criteria: Quest Diagnostics criteria. Collection method: clinical testing. Allele origin: unknown.

GeneDx
Classification: Likely benign. Last evaluated: 2022-07-25. Review status: criteria provided, single submitter. Criteria: GeneDx Variant Classification Process June 2021. Collection method: clinical testing. Allele origin: germline. Affected: yes.
Comment: See Variant Classification Assertion Criteria.

Blueprint Genetics
Classification: Likely benign. Last evaluated: 2022-07-18. Review status: criteria provided, single submitter. Criteria: ACMG Guidelines, 2015. Collection method: clinical testing. Allele origin: germline.

Ambry Genetics
Classification: Likely benign for Hereditary cancer-predisposing syndrome. Last evaluated: 2019-03-12. Review status: criteria provided, single submitter. Criteria: Ambry Variant Classification Scheme 2023. Collection method: clinical testing. Allele origin: germline.

Color Diagnostics, LLC DBA Color Health
Classification: Likely benign for Hereditary cancer-predisposing syndrome. Last evaluated: 2017-02-22. Review status: criteria provided, single submitter. Criteria: ACMG Guidelines, 2015. Collection method: clinical testing. Allele origin: germline.

Counsyl
Classification: Likely benign for Breast-ovarian cancer, familial, susceptibility to, 2. Last evaluated: 2017-04-05. Review status: no assertion criteria provided. Collection method: clinical testing. Allele origin: unknown. Not counted in ClinVar's aggregate classification.

Breast Cancer Information Core (BIC) (BRCA2)
Classification: Benign for Breast-ovarian cancer, familial 2. Review status: no assertion criteria provided. Collection method: clinical testing. Allele origin: germline. Affected: yes. Observed: 1 variant allele. Not counted in ClinVar's aggregate classification.

Department of Pathology and Laboratory Medicine, Sinai Health System
Classification: Uncertain significance for Breast-ovarian cancer, familial, susceptibility to, 2. Review status: no assertion criteria provided. Collection method: clinical testing. Allele origin: unknown. Affected: yes. Study: The Canadian Open Genetics Repository (COGR). Not counted in ClinVar's aggregate classification.
Comment: The p.Lys3408X variant was not identified in the literature but was identified in the BIC database (1X with no clinical importance), dbSNP (ID: rs80358402), and in the ClinVar database (classified as likely benign by GeneDx and Ambry Genetics; classified as benign by BIC; classification not provided by Invitae). The variant was listed in the Exome Aggregation Consortium (ExAC) database in 1 of 65858 chromosomes (frequency: 0.00002) from a population of European (Non-Finnish) individuals; however, this single observation and low frequency is not substantive enough to determine the prevalence of the variant in the general population and its relationship to disease. The variant results in termination of translation at amino acid position 3408 and the loss of the terminal 9 amino acids of the expressed BRCA2 protein. Borg (2010) identified three variants in the BRCA2 gene near the 3â€šÃ„Ã´-end which were predicted to result in protein truncation (c.9976A>T (BIC: K3326X), c.10095delCins11 (BIC: 10323delCins11), c.10150C>T (BIC: R3384X), but were â€šÃ„Ãºruled as exceptions that could not be classified because of their location near the 3â€šÃ„Ã´-end and possibly dispensable part of the geneâ€šÃ„Ã¹. The p.Lys3408X variant is located even farther downstream than these variants (i.e. closer to the 3â€šÃ„Ã´- end of the gene). Stop codon or nonsense mutations in the last exon of a gene may not be subjected to nonsense mediated RNA decay, although further study would be required to validate this hypothesis and it is currently not possible to determine whether or not this might influence the severity of the disorder. Segregation and/or functional studies are recommended to further elucidate the pathogenicity of this variant. In summary, based on the above information, the clinical significance of this variant cannot be determined with certainty at this time. This variant is classified as a variant of unknown significance.

Literature cited by the submitters: PubMed 32599251 (cited by Women's Health and Genetics/Laboratory Corporation of America, LabCorp and Quest Diagnostics Nichols Institute San Juan Capistrano); PubMed 32853339 (cited by Women's Health and Genetics/Laboratory Corporation of America, LabCorp); PubMed 35753294 (cited by Women's Health and Genetics/Laboratory Corporation of America, LabCorp and Quest Diagnostics Nichols Institute San Juan Capistrano).